The following is an entry in ClinVar:

ClinVar aggregate classification (germline): Uncertain significance. Review status: criteria provided, single submitter (1 of 4 stars). 3 submissions from 2 submitters: Uncertain significance (2). 1 of the submissions does not count toward it.

Conditions:
Transitory neonatal diabetes mellitus. Also called: Transient neonatal diabetes mellitus. Identifiers: MedGen C0342273, MONDO:0020525, HP:0008255.
Maturity-onset diabetes of the young (MODY). Also called: Maturity onset diabetes mellitus in young. Identifiers: Orphanet 552, MedGen C0342276, MONDO:0018911, HP:0004904.
Hereditary hyperinsulinism.

Submissions (3):

Clinical Genomics, Uppaluri K&H Personalized Medicine Clinic
Classification: Uncertain significance for Maturity-onset diabetes of the young. Review status: criteria provided, single submitter. Criteria: K & H Uppaluri Personalized Medicine Clinic Variant Classification & Assertion Criteria_Updated V.1. Collection method: research. Allele origin: unknown.
Comment: Mutations in ABCC8 gene are associated with both neonatal diabetes mellitus as well as MODY. Patients with this mutation may have a better response to sulfonylureas. However, no sufficient evidence is found to ascertain the role of this particular variant ( rs1957153674) in MODY yet.

Clinical Genomics, Uppaluri K&H Personalized Medicine Clinic
Classification: Uncertain significance for Transitory neonatal diabetes mellitus. Review status: criteria provided, single submitter. Criteria: K & H Uppaluri Personalized Medicine Clinic Variant Classification & Assertion Criteria_Updated V.1. Collection method: research. Allele origin: unknown.
Comment: Mutations in ABCC8 gene are associated with both neonatal diabetes mellitus as well as MODY. Patients with this mutation may have a better response to sulfonylureas. However, no sufficient evidence is found to ascertain the role of this particular variant ( rs1957153674) in neonatal diabetes yet.

Natera, Inc.
Classification: Uncertain significance for Hereditary hyperinsulinism. Last evaluated: 2020-08-14. Review status: no assertion criteria provided. Collection method: clinical testing. Allele origin: germline. Not counted in ClinVar's aggregate classification.

Literature cited by the submitters: PubMed 16885549 (cited by Clinical Genomics, Uppaluri K&H Personalized Medicine Clinic); PubMed 21989597 (cited by Clinical Genomics, Uppaluri K&H Personalized Medicine Clinic); PubMed 27538677 (cited by Clinical Genomics, Uppaluri K&H Personalized Medicine Clinic); PubMed 18981553 (cited by Clinical Genomics, Uppaluri K&H Personalized Medicine Clinic); PubMed 32027066 (cited by Clinical Genomics, Uppaluri K&H Personalized Medicine Clinic); PubMed 16613899 (cited by Clinical Genomics, Uppaluri K&H Personalized Medicine Clinic); PubMed 18025408 (cited by Clinical Genomics, Uppaluri K&H Personalized Medicine Clinic); PubMed 32792356 (cited by Clinical Genomics, Uppaluri K&H Personalized Medicine Clinic).

NM_000352.6(ABCC8):c.881C>A (p.Ala294Asp)

Gene: ABCC8 (ATP binding cassette subfamily C member 8; minus strand). Cytogenetic location: 11p15.1.
Variant type: single nucleotide variant.
Coding change: c.881C>A on transcript NM_000352.6 (MANE Select); coding-DNA position 881, C replaced by A.
Protein change: p.Ala294Asp; replaces alanine 294 with aspartic acid.
Molecular consequence: missense variant. On other transcripts: non-coding transcript variant (1).
Genome position (GRCh38, 1-based): chr11:17,460,618, G>T on the plus strand (C>A on the coding strand, the complement: ABCC8 is on the minus strand). VCF-style: chr11-17460618-G-T. GRCh37 (hg19) VCF-style: chr11-17482165-G-T.
Other names: c.881C>A, p.Ala294Asp (NM_001287174.3, NM_001351295.2); c.878C>A, p.Ala293Asp (NM_001351296.2, NM_001351297.2); short protein forms A293D, A294D.
Identifiers: ClinVar variation 991060 (VCV000991060.2), dbSNP rs1957153674, ClinGen allele CA379777328.